The following is an entry in ClinVar:

ClinVar aggregate classification (germline): Conflicting classifications of pathogenicity. Review status: criteria provided, conflicting classifications (1 of 4 stars). 2 submissions from 2 submitters: Likely pathogenic (1); Uncertain significance (1). Last evaluated 2025-09-19.

Conditions:
Pontocerebellar hypoplasia type 7. Identifiers: Orphanet 284339, MedGen C3554226, MONDO:0013993, OMIM 614969.

Allele frequency attached by ClinVar (database versions not stated): TOPMed 0.00002; ExAC 0.00005; gnomAD exomes 0.00001; gnomAD 0.00002.

Submissions (2):

First Genomix Gene Laboratory, Genetic Diagnostics Department
Classification: Likely pathogenic for Pontocerebellar hypoplasia type 7. Last evaluated: 2025-09-19. Review status: criteria provided, single submitter. Criteria: ACMG Guidelines, 2015. Collection method: clinical testing. Allele origin: germline. Inheritance: Autosomal recessive inheritance. Affected: no. Observed: 1 variant allele.

Labcorp Genetics (formerly Invitae), Labcorp
Classification: Uncertain significance. Last evaluated: 2022-07-14. Review status: criteria provided, single submitter. Criteria: Invitae Variant Classification Sherloc (09022015). Collection method: clinical testing. Allele origin: germline.
Comment: This sequence change replaces arginine, which is basic and polar, with tryptophan, which is neutral and slightly polar, at codon 185 of the TOE1 protein (p.Arg185Trp). This variant is present in population databases (rs767923015, gnomAD 0.03%). This variant has not been reported in the literature in individuals affected with TOE1-related conditions. Algorithms developed to predict the effect of missense changes on protein structure and function are either unavailable or do not agree on the potential impact of this missense change (SIFT: "Deleterious"; PolyPhen-2: "Probably Damaging"; Align-GVGD: "Class C0"). In summary, the available evidence is currently insufficient to determine the role of this variant in disease. Therefore, it has been classified as a Variant of Uncertain Significance.

NM_025077.4(TOE1):c.553C>T (p.Arg185Trp)

Gene: TOE1 (target of EGR1, exonuclease; plus strand). Cytogenetic location: 1p34.1.
Variant type: single nucleotide variant.
Coding change: c.553C>T on transcript NM_025077.4 (MANE Select); coding-DNA position 553, C replaced by T.
Protein change: p.Arg185Trp; replaces arginine 185 with tryptophan.
Molecular consequence: missense variant.
Genome position (GRCh38, 1-based): chr1:45,342,444, C>T. VCF-style: chr1-45342444-C-T. GRCh37 (hg19) VCF-style: chr1-45808116-C-T.
Other names: short protein forms R185W.
Identifiers: ClinVar variation 1895807 (VCV001895807.5), dbSNP rs767923015, ClinGen allele CA826608.